The following is an entry in ClinVar:

NM_015259.6(ICOSLG):c.134_135insAAGCTGCGCTTGCCCTGAAGGAAGCCGTTT (p.Arg44_Phe45insLeuSerCysAlaCysProGluGlySerArg)

Gene: ICOSLG (inducible T cell costimulator ligand; minus strand). Cytogenetic location: 21q22.3.
Variant type: Insertion.
Coding change: c.134_135insAAGCTGCGCTTGCCCTGAAGGAAGCCGTTT on transcript NM_015259.6 (MANE Select); coding-DNA positions 134 to 135, AAGCTGCGCTTGCCCTGAAGGAAGCCGTTT inserted.
Protein change: p.Arg44_Phe45insLeuSerCysAlaCysProGluGlySerArg.
Molecular consequence: inframe insertion. On other transcripts: intron variant (2).
Genome position: GRCh38 VCF-style: chr21-44237138-A-AAAACGGCTTCCTTCAGGGCAAGCGCAGCTT. GRCh37 (hg19) VCF-style: chr21-45657021-A-AAAACGGCTTCCTTCAGGGCAAGCGCAGCTT.
Other names: c.134_135insAAGCTGCGCTTGCCCTGAAGGAAGCCGTTT, p.Arg44_Phe45insLeuSerCysAlaCysProGluGlySerArg (NM_001283050.2, NM_001395918.1); c.53_54insAAGCTGCGCTTGCCCTGAAGGAAGCCGTTT, p.Arg17_Phe18insLeuSerCysAlaCysProGluGlySerArg (NM_001365759.2); c.55+1309_55+1310insAGCTGCGCTTGCCCTGAAGGAAGCCGTTTA (NM_001283051.2); c.-48-74_-48-73insAGCTGCGCTTGCCCTGAAGGAAGCCGTTTA (NM_001283052.2).
Identifiers: ClinVar variation 3619772 (VCV003619772.2).

ClinVar aggregate classification (germline): Uncertain significance (1 of 4 stars; one submission).

Submission:

Labcorp Genetics (formerly Invitae), Labcorp
Classification: Uncertain significance. Last evaluated: 2024-08-11. Review status: criteria provided, single submitter. Criteria: Invitae Variant Classification Sherloc (09022015). Collection method: clinical testing. Allele origin: germline.
Comment: This variant, c.134_135insAAGCTGCGCTTGCCCTGAAGGAAGCCGTTT, results in the insertion of 10 amino acid(s) of the ICOSLG protein (p.Leu35_Arg44dup), but otherwise preserves the integrity of the reading frame. This variant is present in population databases (no rsID available, gnomAD 0.007%). This variant has not been reported in the literature in individuals affected with ICOSLG-related conditions. Experimental studies and prediction algorithms are not available or were not evaluated, and the functional significance of this variant is currently unknown. In summary, the available evidence is currently insufficient to determine the role of this variant in disease. Therefore, it has been classified as a Variant of Uncertain Significance.